The following is an entry in ClinVar:

ClinVar aggregate classification (germline): Uncertain significance. Review status: criteria provided, multiple submitters, no conflicts (2 of 4 stars). 6 submissions from 4 submitters: Uncertain significance (6). Last evaluated 2025-08-11.

Conditions:
Cardiomyopathy, familial restrictive, 3. Identifiers: Orphanet 75249, MedGen C2676271, MONDO:0012900, OMIM 612422.
Hypertrophic cardiomyopathy 2. Also called: TNNT2-Related Familial Hypertrophic Cardiomyopathy. Identifiers: MedGen C1861864, MONDO:0007266, OMIM 115195.
Dilated cardiomyopathy 1D. Identifiers: Orphanet 154, Orphanet 54260, MedGen C1832243, MONDO:0011095, OMIM 601494.
Cardiovascular phenotype. Identifiers: MedGen CN230736.

gnomAD v4.1: 7 of 1,613,446 alleles (0.00043%); highest among the groups gnomAD compares: Non-Finnish European, 0.00059%; no homozygotes.

Submissions (6):

Labcorp Genetics (formerly Invitae), Labcorp
Classification: Uncertain significance for Cardiomyopathy, familial restrictive, 3; Hypertrophic cardiomyopathy 2; Dilated cardiomyopathy 1D. Last evaluated: 2025-08-11. Review status: criteria provided, single submitter. Criteria: Invitae Variant Classification Sherloc (09022015). Collection method: clinical testing. Allele origin: germline.
Comment: This sequence change affects an acceptor splice site in intron 8 of the TNNT2 gene. It is expected to disrupt RNA splicing. Variants that disrupt the donor or acceptor splice site typically lead to a loss of protein function (PMID: 16199547), however the current clinical and genetic evidence is not sufficient to establish whether loss-of-function variants in TNNT2 cause disease. This variant is not present in population databases (gnomAD no frequency). This variant has not been reported in the literature in individuals affected with TNNT2-related conditions. ClinVar contains an entry for this variant (Variation ID: 1677783). Algorithms developed to predict the effect of sequence changes on RNA splicing suggest that this variant may disrupt the consensus splice site. In summary, the available evidence is currently insufficient to determine the role of this variant in disease. Therefore, it has been classified as a Variant of Uncertain Significance.

Ambry Genetics
Classification: Uncertain significance for Cardiovascular phenotype. Last evaluated: 2024-03-28. Review status: criteria provided, single submitter. Criteria: Ambry Variant Classification Scheme 2023. Collection method: clinical testing. Allele origin: germline.
Comment: The c.265-1G>A intronic variant results from a G to A substitution one nucleotide before coding exon 8 of the TNNT2 gene. This nucleotide position is highly conserved in available vertebrate species. In silico splice site analysis predicts that this alteration will weaken the native splice acceptor site and may result in the creation or strengthening of a novel splice acceptor site. Alterations that disrupt the canonical splice site are expected to cause aberrant splicing, resulting in an abnormal protein or a transcript that is subject to nonsense-mediated mRNA decay. However, loss of function of TNNT2 has not been established as a mechanism of disease. Based on the available evidence, the clinical significance of this alteration remains unclear.

Genome-Nilou Lab
Classification: Uncertain significance for Dilated cardiomyopathy 1D. Last evaluated: 2023-04-11. Review status: criteria provided, single submitter. Criteria: ACMG Guidelines, 2015. Collection method: clinical testing. Allele origin: germline. Affected: no.

Genome-Nilou Lab
Classification: Uncertain significance for Cardiomyopathy, familial restrictive, 3. Last evaluated: 2023-04-11. Review status: criteria provided, single submitter. Criteria: ACMG Guidelines, 2015. Collection method: clinical testing. Allele origin: germline. Affected: no.

Genome-Nilou Lab
Classification: Uncertain significance for Hypertrophic cardiomyopathy 2. Last evaluated: 2023-04-11. Review status: criteria provided, single submitter. Criteria: ACMG Guidelines, 2015. Collection method: clinical testing. Allele origin: germline. Affected: no.

AiLife Diagnostics
Classification: Uncertain significance. Last evaluated: 2022-01-07. Review status: criteria provided, single submitter. Criteria: ACMG Guidelines, 2015. Collection method: clinical testing. Allele origin: germline. Affected: yes. Observed: 1 variant allele.

Literature cited by the submitters: PubMed 16199547 (cited by Labcorp Genetics (formerly Invitae), Labcorp); PubMed 33087929 (cited by AiLife Diagnostics).

NM_001276345.2(TNNT2):c.295-1G>A

Gene: TNNT2 (troponin T2, cardiac type; minus strand). Cytogenetic location: 1q32.1.
Variant type: single nucleotide variant.
Coding change: c.295-1G>A on transcript NM_001276345.2 (MANE Select); the canonical splice acceptor site of the intron before coding-DNA position 295, G replaced by A.
Molecular consequence: splice acceptor variant. On other transcripts: intron variant (1).
Genome position (GRCh38, 1-based): chr1:201,365,308, C>T on the plus strand (G>A on the coding strand, the complement: TNNT2 is on the minus strand). VCF-style: chr1-201365308-C-T. GRCh37 (hg19) VCF-style: chr1-201334436-C-T.
Other names: c.265-1G>A (NM_001001430.1, NM_001406727.1, NM_001406724.1 and 4 more transcripts); c.250-1G>A (NM_001001432.3, NM_001406728.1); c.262-1G>A (NM_001406725.1); c.291+302G>A (NM_001276346.2); c.295-1G>A (NM_000364.4, NM_001406723.1).
Identifiers: ClinVar variation 1677783 (VCV001677783.6), dbSNP rs113876817, ClinGen allele CA344206623.
Genomic context (GRCh38, chr1:201,365,308, plus strand): 5'-AGCCTCGATCAGCGCCTGCAACTCATTCAGGTCCTTCTCCATGCGCTTCCGGTGGATGTC[C>T]TGTGGGTGGACCGCTGCGGCTCAGAGGCTGCCACTCCAAAGAGTCCAGAGGAGAGATGGG-3'